The following is an entry in ClinVar:

NM_001378454.1(ALMS1):c.3268C>T (p.Pro1090Ser)

Gene: ALMS1 (ALMS1 centrosome and basal body associated protein; plus strand). Cytogenetic location: 2p13.1.
Variant type: single nucleotide variant.
Coding change: c.3268C>T on transcript NM_001378454.1 (MANE Select); coding-DNA position 3268, C replaced by T.
Protein change: p.Pro1090Ser; replaces proline 1090 with serine.
Molecular consequence: missense variant.
Genome position (GRCh38, 1-based): chr2:73,449,795, C>T. VCF-style: chr2-73449795-C-T. GRCh37 (hg19) VCF-style: chr2-73676922-C-T.
Other names: c.3271C>T, p.Pro1091Ser (NM_015120.4); short protein forms P1090S, P1091S.
Identifiers: ClinVar variation 1729630 (VCV001729630.4), dbSNP rs376232524, ClinGen allele CA50392320.

ClinVar aggregate classification (germline): Uncertain significance. Review status: criteria provided, multiple submitters, no conflicts (2 of 4 stars). 2 submissions from 2 submitters: Uncertain significance (2). Last evaluated 2021-04-05.

Conditions:
Cardiovascular phenotype. Identifiers: MedGen CN230736.
Alstrom syndrome (ALMS). Identifiers: Orphanet 64, MedGen C0268425, MONDO:0008763, OMIM 203800.

gnomAD v4.1: 3 of 1,614,008 alleles (0.00019%); highest among the groups gnomAD compares: African/African-American, 0.0013%; no homozygotes.

Submissions (2):

Labcorp Genetics (formerly Invitae), Labcorp
Classification: Uncertain significance for Alstrom syndrome. Last evaluated: 2021-04-05. Review status: criteria provided, single submitter. Criteria: Invitae Variant Classification Sherloc (09022015). Collection method: clinical testing. Allele origin: germline.
Comment: This sequence change replaces proline with serine at codon 1091 of the ALMS1 protein (p.Pro1091Ser). The proline residue is moderately conserved and there is a moderate physicochemical difference between proline and serine. This variant is not present in population databases (ExAC no frequency). This variant has not been reported in the literature in individuals with ALMS1-related conditions. Experimental studies and prediction algorithms are not available or were not evaluated, and the functional significance of this variant is currently unknown. In summary, the available evidence is currently insufficient to determine the role of this variant in disease. Therefore, it has been classified as a Variant of Uncertain Significance.

Ambry Genetics
Classification: Uncertain significance for Cardiovascular phenotype. Last evaluated: 2021-02-24. Review status: criteria provided, single submitter. Criteria: Ambry Variant Classification Scheme 2023. Collection method: clinical testing. Allele origin: germline.
Comment: The p.P1091S variant (also known as c.3271C>T), located in coding exon 8 of the ALMS1 gene, results from a C to T substitution at nucleotide position 3271. The proline at codon 1091 is replaced by serine, an amino acid with similar properties. This amino acid position is not well conserved in available vertebrate species, and serine is the reference amino acid in other vertebrate species. In addition, this alteration is predicted to be tolerated by in silico analysis. Since supporting evidence is limited at this time, the clinical significance of this alteration remains unclear.